The following is an entry in ClinVar:

NM_001999.4(FBN2):c.1171dup (p.Glu391fs)

Gene: FBN2 (fibrillin 2; minus strand). Cytogenetic location: 5q23.3.
Variant type: Duplication.
Coding change: c.1171dup on transcript NM_001999.4 (MANE Select); coding-DNA position 1171, one base duplicated (G; older notation c.1171dupG).
Protein change: p.Glu391fs; shifts the reading frame from glutamic acid 391.
Molecular consequence: frameshift variant.
Genome position (GRCh38, 1-based): chr5:128,395,182, C duplicated on the plus strand (G on the coding strand, the reverse complement: FBN2 is on the minus strand). VCF-style (leftmost placement, unchanged base first): chr5-128395181-T-TC. GRCh37 (hg19) VCF-style: chr5-127730874-T-TC.
Other names: short protein forms E391fs.
Identifiers: ClinVar variation 4855454 (VCV004855454.1).

ClinVar aggregate classification (germline): Likely pathogenic (1 of 4 stars; one submission).

Conditions:
Congenital contractural arachnodactyly (CCA). Also called: BEALS SYNDROME; Arthrogryposis, distal, type 9; Beals-Hecht syndrome. Identifiers: Orphanet 115, MedGen C0220668, MONDO:0007363, OMIM 121050.

Submission:

3billion
Classification: Likely pathogenic for Congenital contractural arachnodactyly. Last evaluated: 2025-05-27. Review status: criteria provided, single submitter. Criteria: ACMG Guidelines, 2015. Collection method: clinical testing. Allele origin: germline. Affected: yes.
Comment: The variant is not observed in the gnomAD v4.1.0 dataset. Predicted Consequence/Location: Frameshift: predicted to result in a loss or disruption of normal protein function through nonsense-mediated decay (NMD) or protein truncation. Multiple pathogenic variants are reported downstream of the variant. Therefore, this variant is classified as Likely pathogenic according to the recommendation of ACMG/AMP guideline.